The following is an entry in ClinVar:

ClinVar aggregate classification (germline): Uncertain significance. Review status: criteria provided, multiple submitters, no conflicts (2 of 4 stars). 2 submissions from 2 submitters: Uncertain significance (2). Last evaluated 2022-09-07.

Allele frequency attached by ClinVar (database versions not stated): gnomAD exomes below 0.00001.

Submissions (2):

Labcorp Genetics (formerly Invitae), Labcorp
Classification: Uncertain significance. Last evaluated: 2022-09-07. Review status: criteria provided, single submitter. Criteria: Invitae Variant Classification Sherloc (09022015). Collection method: clinical testing. Allele origin: germline.
Comment: This sequence change replaces aspartic acid, which is acidic and polar, with histidine, which is basic and polar, at codon 511 of the CNGA1 protein (p.Asp511His). This variant is present in population databases (no rsID available, gnomAD 0.0009%). This variant has not been reported in the literature in individuals affected with CNGA1-related conditions. ClinVar contains an entry for this variant (Variation ID: 1063017). Algorithms developed to predict the effect of missense changes on protein structure and function (SIFT, PolyPhen-2, Align-GVGD) all suggest that this variant is likely to be disruptive. In summary, the available evidence is currently insufficient to determine the role of this variant in disease. Therefore, it has been classified as a Variant of Uncertain Significance.

Blueprint Genetics
Classification: Uncertain significance. Last evaluated: 2021-05-17. Review status: criteria provided, single submitter. Criteria: ACMG Guidelines, 2015. Collection method: clinical testing. Allele origin: germline.

NM_001379270.1(CNGA1):c.1519G>C (p.Asp507His)

Genes: CNGA1 (cyclic nucleotide gated channel subunit alpha 1; minus strand), LOC101927157 (uncharacterized LOC101927157; plus strand). Cytogenetic location: 4p12.
Variant type: single nucleotide variant.
Coding change: c.1519G>C on transcript NM_001379270.1 (MANE Select); coding-DNA position 1519, G replaced by C.
Protein change: p.Asp507His; replaces aspartic acid 507 with histidine.
Molecular consequence: missense variant.
Genome position (GRCh38, 1-based): chr4:47,936,963, C>G on the plus strand (G>C on the coding strand, the complement: CNGA1 is on the minus strand). VCF-style: chr4-47936963-C-G. GRCh37 (hg19) VCF-style: chr4-47938980-C-G.
Other names: c.1519G>C, p.Asp507His (NM_000087.5, NM_001142564.2); short protein forms D507H.
Identifiers: ClinVar variation 1063017 (VCV001063017.7), dbSNP rs1165799316, ClinGen allele CA356825389.